The following is an entry in ClinVar:

ClinVar aggregate classification (germline): Pathogenic (1 of 4 stars; one submission).

Conditions:
Beta-D-mannosidosis (MANSB). Also called: MANNOSIDOSIS, BETA A, LYSOSOMAL; BETA-MANNOSIDASE DEFICIENCY; LYSOSOMAL BETA-MANNOSIDASE DEFICIENCY; Beta-Mannosidosis. Identifiers: Orphanet 118, MedGen C4048196, MONDO:0009562, OMIM 248510.

Allele frequency attached by ClinVar (database versions not stated): ESP Exome Variant Server 0.00008; gnomAD exomes below 0.00001; ExAC 0.00001.
gnomAD v4.1: 1 of 1,613,772 alleles (0.000062%); highest among the groups gnomAD compares: Non-Finnish European, 0.000085%; no homozygotes.

Submission:

Labcorp Genetics (formerly Invitae), Labcorp
Classification: Pathogenic for Beta-D-mannosidosis. Last evaluated: 2022-10-06. Review status: criteria provided, single submitter. Criteria: Invitae Variant Classification Sherloc (09022015). Collection method: clinical testing. Allele origin: germline.
Comment: This sequence change creates a premature translational stop signal (p.Trp677*) in the MANBA gene. It is expected to result in an absent or disrupted protein product. Loss-of-function variants in MANBA are known to be pathogenic (PMID: 9384606, 12468273). This variant is present in population databases (rs371368353, gnomAD 0.0009%). This variant has not been reported in the literature in individuals affected with MANBA-related conditions. ClinVar contains an entry for this variant (Variation ID: 1406698). Algorithms developed to predict the effect of sequence changes on RNA splicing suggest that this variant may disrupt the consensus splice site. For these reasons, this variant has been classified as Pathogenic.

Literature cited by the submitters: PubMed 9384606; PubMed 12468273.

NM_005908.4(MANBA):c.2030G>A (p.Trp677Ter)

Gene: MANBA (mannosidase beta; minus strand). Cytogenetic location: 4q24.
Variant type: single nucleotide variant.
Coding change: c.2030G>A on transcript NM_005908.4 (MANE Select); coding-DNA position 2030, G replaced by A.
Protein change: p.Trp677Ter; replaces tryptophan 677 with a stop codon.
Molecular consequence: nonsense.
Genome position (GRCh38, 1-based): chr4:102,635,992, C>T on the plus strand (G>A on the coding strand, the complement: MANBA is on the minus strand). VCF-style: chr4-102635992-C-T. GRCh37 (hg19) VCF-style: chr4-103557149-C-T.
Other names: short protein forms W677*.
Identifiers: ClinVar variation 1406698 (VCV001406698.6), dbSNP rs371368353, ClinGen allele CA3026726.